The following is an entry in ClinVar:

NM_003901.4(SGPL1):c.943G>A (p.Asp315Asn)

Gene: SGPL1 (sphingosine-1-phosphate lyase 1; plus strand). Cytogenetic location: 10q22.1.
Variant type: single nucleotide variant.
Coding change: c.943G>A on transcript NM_003901.4 (MANE Select); coding-DNA position 943, G replaced by A.
Protein change: p.Asp315Asn; replaces aspartic acid 315 with asparagine.
Molecular consequence: missense variant.
Genome position (GRCh38, 1-based): chr10:70,871,870, G>A. VCF-style: chr10-70871870-G-A. GRCh37 (hg19) VCF-style: chr10-72631627-G-A.
Other names: short protein forms D315N.
Identifiers: ClinVar variation 2023487 (VCV002023487.4), dbSNP rs1372595844, ClinGen allele CA377123595.
Genomic context (GRCh38, chr10:70,871,870, plus strand): 5'-CTTATGTTCTTTGTTTTTTGGAACAAGCTGGCTGTCAAATACAAAATACCCCTTCATGTC[G>A]ACGCTTGTCTGGGAGGCTTCCTCATCGTCTTTATGGAGAAAGCAGGATACCCACTGGAGC-3'
Protein context (NP_003892.2, residues 305-325): AVKYKIPLHV[Asp315Asn]ACLGGFLIVF

ClinVar aggregate classification (germline): Uncertain significance (1 of 4 stars; one submission).

Allele frequency attached by ClinVar (database versions not stated): TOPMed below 0.00001; gnomAD 0.00001.
gnomAD v4.1: 1 of 1,613,758 alleles (0.000062%); no homozygotes.

Submission:

Labcorp Genetics (formerly Invitae), Labcorp
Classification: Uncertain significance. Last evaluated: 2022-05-12. Review status: criteria provided, single submitter. Criteria: Invitae Variant Classification Sherloc (09022015). Collection method: clinical testing. Allele origin: germline.
Comment: This variant has not been reported in the literature in individuals affected with SGPL1-related conditions. Algorithms developed to predict the effect of missense changes on protein structure and function are either unavailable or do not agree on the potential impact of this missense change (SIFT: "Deleterious"; PolyPhen-2: "Probably Damaging"; Align-GVGD: "Class C15"). In summary, the available evidence is currently insufficient to determine the role of this variant in disease. Therefore, it has been classified as a Variant of Uncertain Significance. This variant is present in population databases (no rsID available, gnomAD 0.03%). This sequence change replaces aspartic acid, which is acidic and polar, with asparagine, which is neutral and polar, at codon 315 of the SGPL1 protein (p.Asp315Asn).